The following is an entry in ClinVar:

NM_005909.5(MAP1B):c.1720G>A (p.Val574Met)

Gene: MAP1B (microtubule associated protein 1B; plus strand). Cytogenetic location: 5q13.2.
Variant type: single nucleotide variant.
Coding change: c.1720G>A on transcript NM_005909.5 (MANE Select); coding-DNA position 1720, G replaced by A.
Protein change: p.Val574Met; replaces valine 574 with methionine.
Molecular consequence: missense variant.
Genome position (GRCh38, 1-based): chr5:72,195,075, G>A. VCF-style: chr5-72195075-G-A. GRCh37 (hg19) VCF-style: chr5-71490902-G-A.
Other names: c.1342G>A, p.Val448Met (NM_001324255.2); short protein forms V448M, V574M.
Identifiers: ClinVar variation 4987388 (VCV004987388.1).

ClinVar aggregate classification (germline): Uncertain significance (1 of 4 stars; one submission).

Conditions:
MAP1B-related disorder. Also called: MAP1B-related condition.

Submission:

PreventionGenetics, part of Exact Sciences
Classification: Uncertain significance for MAP1B-related condition. Last evaluated: 2026-06-01. Review status: criteria provided, single submitter. Criteria: ACMG Guidelines, 2015. Collection method: clinical testing. Allele origin: germline.
Comment: The MAP1B c.1720G>A variant is predicted to result in the amino acid substitution p.Val574Met. To our knowledge, this variant has not been reported in the literature. This variant is reported in 0.0080% of alleles in individuals of African descent in gnomAD. At this time, the clinical significance of this variant is uncertain due to the absence of conclusive functional and genetic evidence.